The following is an entry in ClinVar:

ClinVar aggregate classification (germline): Pathogenic (1 of 4 stars; one submission).

Conditions:
Ataxia-telangiectasia syndrome (AT). Also called: LOUIS-BAR SYNDROME; Ataxia-telangiectasia, complementation group D; AT, COMPLEMENTATION GROUP C; Cerebello-oculocutaneous telangiectasia; Immunodeficiency with ataxia telangiectasia; ATAXIA-TELANGIECTASIA, COMPLEMENTATION GROUP A. Identifiers: Orphanet 100, MedGen C0004135, MONDO:0008840, OMIM 208900.

Submission:

Labcorp Genetics (formerly Invitae), Labcorp
Classification: Pathogenic for Ataxia-telangiectasia syndrome. Last evaluated: 2020-09-19. Review status: criteria provided, single submitter. Criteria: Invitae Variant Classification Sherloc (09022015). Collection method: clinical testing. Allele origin: germline.
Comment: For these reasons, this variant has been classified as Pathogenic. Loss-of-function variants in ATM are known to be pathogenic (PMID: 23807571, 25614872). This variant has not been reported in the literature in individuals with ATM-related conditions. This variant is not present in population databases (ExAC no frequency). This sequence change creates a premature translational stop signal (p.Val1913Thrfs*2) in the ATM gene. It is expected to result in an absent or disrupted protein product.

Literature cited by the submitters: PubMed 23807571; PubMed 25614872.

NM_000051.4(ATM):c.5737_5743del (p.Val1913fs)

Gene: ATM (ATM serine/threonine kinase; plus strand). Cytogenetic location: 11q22.3.
Variant type: Deletion.
Coding change: c.5737_5743del on transcript NM_000051.4 (MANE Select); coding-DNA positions 5737 to 5743, 7 bases deleted (GTGGACT; older notation c.5737_5743delGTGGACT).
Protein change: p.Val1913fs; shifts the reading frame from valine 1913.
Molecular consequence: frameshift variant.
Genome position (GRCh38, 1-based): chr11:108,307,959-108,307,965, GTGGACT deleted; deleting any 7 consecutive bases within chr11:108,307,958-108,307,965 gives the same sequence; the c. name uses the placement nearest the transcript's 3' end. VCF-style (leftmost placement, unchanged base first): chr11-108307957-TTGTGGAC-T. GRCh37 (hg19) VCF-style: chr11-108178684-TTGTGGAC-T.
Other names: c.5737_5743del, p.Val1913fs (NM_001351834.2); short protein forms V1913fs.
Identifiers: ClinVar variation 1069663 (VCV001069663.7), dbSNP rs2135977542, ClinGen allele CA2499220664.